The following is an entry in ClinVar:

ClinVar aggregate classification (germline): Uncertain significance (1 of 4 stars; one submission).

Submission:

Ambry Genetics
Classification: Uncertain significance. Last evaluated: 2024-12-13. Review status: criteria provided, single submitter. Criteria: Ambry Variant Classification Scheme 2023. Collection method: clinical testing. Allele origin: germline.
Comment: The p.K628R variant (also known as c.1883A>G), located in coding exon 11 of the PALLD gene, results from an A to G substitution at nucleotide position 1883. The lysine at codon 628 is replaced by arginine, an amino acid with highly similar properties. This amino acid position is conserved. In addition, this alteration is predicted to be tolerated by in silico analysis. Based on the available evidence, the clinical significance of this variant remains unclear.

NM_001166108.2(PALLD):c.*69A>G

Genes: CBR4 (carbonyl reductase 4; minus strand), PALLD (palladin, cytoskeletal associated protein; plus strand). Cytogenetic location: 4q32.3.
Variant type: single nucleotide variant.
Coding change: c.*69A>G on transcript NM_001166108.2 (MANE Select); 69 bases downstream of the stop codon, A replaced by G.
Molecular consequence: 3 prime UTR variant. On other transcripts: missense variant (4).
Genome position (GRCh38, 1-based): chr4:168,926,249, A>G. VCF-style: chr4-168926249-A-G. GRCh37 (hg19) VCF-style: chr4-169847400-A-G.
Other names: c.2198A>G, p.Lys733Arg (NM_001166109.2); c.1883A>G, p.Lys628Arg (NM_001166110.2); c.*69A>G (NM_001367567.1, NM_001367570.1, NM_016081.4); c.1274A>G, p.Lys425Arg (NM_001367568.1); c.1223A>G, p.Lys408Arg (NM_001367569.1); short protein forms K425R, K408R, K628R, K733R.
Identifiers: ClinVar variation 3885272 (VCV003885272.1).